The following is an entry in ClinVar:

NM_201384.3(PLEC):c.8324C>G (p.Thr2775Ser)

Gene: PLEC (plectin; minus strand). Cytogenetic location: 8q24.3.
Variant type: single nucleotide variant.
Coding change: c.8324C>G on transcript NM_201384.3 (MANE Select); coding-DNA position 8324, C replaced by G.
Protein change: p.Thr2775Ser; replaces threonine 2775 with serine.
Molecular consequence: missense variant.
Genome position (GRCh38, 1-based): chr8:143,921,497, G>C on the plus strand (C>G on the coding strand, the complement: PLEC is on the minus strand). VCF-style: chr8-143921497-G-C. GRCh37 (hg19) VCF-style: chr8-144995665-G-C.
Other names: c.8405C>G (NM_000445.4, NM_000445.3); c.8405C>G, p.Thr2802Ser (NM_000445.5); c.8282C>G, p.Thr2761Ser (NM_201378.4); c.8258C>G, p.Thr2753Ser (NM_201379.3); c.8735C>G, p.Thr2912Ser (NM_201380.4); c.8228C>G, p.Thr2743Ser (NM_201381.3); c.8324C>G, p.Thr2775Ser (NM_201382.4); c.8336C>G, p.Thr2779Ser (NM_201383.3); short protein forms T2743S, T2753S, T2761S, T2775S, T2779S, T2802S, T2912S.
Identifiers: ClinVar variation 1019666 (VCV001019666.34), dbSNP rs782209648, ClinGen allele CA4925359.
Genomic context (GRCh38, chr8:143,921,497, plus strand): 5'-CCCTTCTGCATGGCTTGGAAGAGAGAGATCTGCTGGCCAGTGTAGGGGTCCTTGTAGCCA[G>C]TGACGGCGCGCTCGGCCGACAGCAGCTTGTGGTGCAGCTCGGGGCCCACCACACCCTCCT-3'
Protein context (NP_958786.1, residues 2765-2785): HKLLSAERAV[Thr2775Ser]GYKDPYTGQQ

ClinVar aggregate classification (germline): Uncertain significance. Review status: criteria provided, multiple submitters, no conflicts (2 of 4 stars). 5 submissions from 5 submitters: Uncertain significance (5). Last evaluated 2026-04-20.

Conditions:
PLEC-related disorder. Also called: PLEC-related disorders; PLEC-related condition.
Epidermolysis bullosa simplex 5B, with muscular dystrophy (EBS5B). Also called: EPIDERMOLYSIS BULLOSA SIMPLEX AND LIMB-GIRDLE MUSCULAR DYSTROPHY; Epidermolysis bullosa simplex with muscular dystrophy. Identifiers: Orphanet 257, MedGen C2931072, MONDO:0009181, OMIM 226670.
Epidermolysis bullosa simplex, Ogna type (EBS5A). Also called: EPIDERMOLYSIS BULLOSA SIMPLEX 5A, OGNA TYPE; Pidermolysis bullosa simplex 5A, Ogna type. Identifiers: Orphanet 79401, MedGen C0432317, MONDO:0007555, OMIM 131950.
Autosomal recessive limb-girdle muscular dystrophy type 2Q (LGMDR17). Also called: MUSCULAR DYSTROPHY, LIMB-GIRDLE, AUTOSOMAL RECESSIVE 17. Identifiers: Orphanet 254361, MedGen C3150989, MONDO:0013390, OMIM 613723.
Epidermolysis bullosa simplex 5C, with pyloric atresia (EBS5C). Also called: PLEC-Related Epidermolysis Bullosa with Pyloric Atresia; Epidermolysis bullosa simplex with pyloric atresia; PLEC1-Related Epidermolysis Bullosa with Pyloric Atresia. Identifiers: Orphanet 158684, MedGen C2677349, MONDO:0012807, OMIM 612138.
Epidermolysis bullosa simplex with nail dystrophy (EBS5D). Identifiers: MedGen C4225309, MONDO:0014661, OMIM 616487.

Allele frequency attached by ClinVar (database versions not stated): gnomAD 0.00002; TOPMed 0.00002; ExAC 0.00003; gnomAD exomes 0.00005.
gnomAD v4.1: 41 of 1,613,068 alleles (0.0025%); highest among the groups gnomAD compares: Non-Finnish European, 0.0035%; no homozygotes.

Submissions (5):

PreventionGenetics, part of Exact Sciences
Classification: Uncertain significance for PLEC-related condition. Last evaluated: 2026-04-20. Review status: criteria provided, single submitter. Criteria: ACMG Guidelines, 2015. Collection method: clinical testing. Allele origin: germline.
Comment: The PLEC c.8405C>G variant is predicted to result in the amino acid substitution p.Thr2802Ser. To our knowledge, this variant has not been reported in the literature. This variant is reported in 0.010% of alleles in individuals of European (Non-Finnish) descent in gnomAD. At this time, the clinical significance of this variant is uncertain due to the absence of conclusive functional and genetic evidence.

Labcorp Genetics (formerly Invitae), Labcorp
Classification: Uncertain significance for Autosomal recessive limb-girdle muscular dystrophy type 2Q; Epidermolysis bullosa simplex, Ogna type; Epidermolysis bullosa simplex with nail dystrophy; Epidermolysis bullosa simplex 5C, with pyloric atresia; Epidermolysis bullosa simplex 5B, with muscular dystrophy. Last evaluated: 2026-01-19. Review status: criteria provided, single submitter. Criteria: Invitae Variant Classification Sherloc (09022015). Collection method: clinical testing. Allele origin: germline.
Comment: This sequence change replaces threonine, which is neutral and polar, with serine, which is neutral and polar, at codon 2802 of the PLEC protein (p.Thr2802Ser). This variant is present in population databases (rs782209648, gnomAD 0.01%). This variant has not been reported in the literature in individuals affected with PLEC-related conditions. ClinVar contains an entry for this variant (Variation ID: 1019666). An algorithm developed to predict the effect of missense changes on protein structure and function (PolyPhen-2) suggests that this variant is likely to be disruptive. In summary, the available evidence is currently insufficient to determine the role of this variant in disease. Therefore, it has been classified as a Variant of Uncertain Significance.

Blueprint Genetics
Classification: Uncertain significance. Last evaluated: 2024-11-26. Review status: criteria provided, single submitter. Criteria: ACMG Guidelines, 2015. Collection method: clinical testing. Allele origin: germline.

CeGaT Center for Human Genetics Tuebingen
Classification: Uncertain significance. Last evaluated: 2023-05-01. Review status: criteria provided, single submitter. Criteria: CeGaT Center For Human Genetics Tuebingen Variant Classification Criteria Version 2. Collection method: clinical testing. Allele origin: germline. Affected: yes. Observed: 1 variant allele.

Revvity Omics, Revvity
Classification: Uncertain significance. Last evaluated: 2020-12-15. Review status: criteria provided, single submitter. Criteria: ACMG Guidelines, 2015. Collection method: clinical testing. Allele origin: germline.